The following is an entry in ClinVar:

ClinVar aggregate classification (germline): Conflicting classifications of pathogenicity. Review status: criteria provided, conflicting classifications (1 of 4 stars). 9 submissions from 9 submitters: Uncertain significance (7); Likely benign (1). 1 of the submissions does not count toward it. Last evaluated 2026-09-26.

Conditions:
VPS13A-related neurodegenerative disease. Also called: VPS13A Disease; Choreaacanthocytosis; Choreoacanthocytosis; Chorea-acanthocytosis; ACANTHOCYTOSIS WITH NEUROLOGIC DISORDER; LEVINE-CRITCHLEY SYNDROME. Identifiers: Orphanet 2388, MedGen C0393576, MONDO:0008695, OMIM 200150.
Inborn genetic diseases. Identifiers: MedGen C0950123, MeSH D030342.

Allele frequency attached by ClinVar (database versions not stated): 1000 Genomes Project 0.00020; ESP Exome Variant Server 0.00031; gnomAD 0.00014 and 0.00015; ExAC 0.00015; TOPMed 0.00015; 1000 Genomes Project 30x 0.00016; gnomAD exomes 0.00016.
gnomAD v4.1: 248 of 1,613,958 alleles (0.015%); highest among the groups gnomAD compares: Middle Eastern, 0.066%; 1 homozygote.

Submissions (9):

GeneDx
Classification: Uncertain significance. Last evaluated: 2026-09-26. Review status: criteria provided, single submitter. Criteria: GeneDx Variant Classification Process June 2021. Collection method: clinical testing. Allele origin: germline.
Comment: In silico analysis supports that this missense variant has a deleterious effect on protein structure/function; Has not been previously published as pathogenic or benign to our knowledge; This variant is associated with the following publications: (PMID: 27535533)

Ambry Genetics
Classification: Likely benign for Inborn genetic diseases. Last evaluated: 2025-08-01. Review status: criteria provided, single submitter. Criteria: Ambry Variant Classification Scheme 2023. Collection method: clinical testing. Allele origin: germline.

Blueprint Genetics
Classification: Uncertain significance. Last evaluated: 2024-10-15. Review status: criteria provided, single submitter. Criteria: ACMG Guidelines, 2015. Collection method: clinical testing. Allele origin: germline.

Athena Diagnostics
Classification: Uncertain significance. Last evaluated: 2024-02-12. Review status: criteria provided, single submitter. Criteria: Athena Diagnostics Criteria. Collection method: clinical testing. Allele origin: unknown.
Comment: Available data are insufficient to determine the clinical significance of the variant at this time. The frequency of this variant in the general population is uninformative in assessment of its pathogenicity. Computational tools disagree on the variant's effect on normal protein function.

Mayo Clinic Laboratories, Mayo Clinic
Classification: Uncertain significance. Last evaluated: 2023-11-06. Review status: criteria provided, single submitter. Criteria: ACMG Guidelines, 2015. Collection method: clinical testing. Allele origin: germline. Observed: 1 variant allele.

Labcorp Genetics (formerly Invitae), Labcorp
Classification: Uncertain significance. Last evaluated: 2022-06-29. Review status: criteria provided, single submitter. Criteria: Invitae Variant Classification Sherloc (09022015). Collection method: clinical testing. Allele origin: germline.
Comment: This sequence change replaces leucine, which is neutral and non-polar, with histidine, which is basic and polar, at codon 3105 of the VPS13A protein (p.Leu3105His). This variant is present in population databases (rs141321409, gnomAD 0.03%). This variant has not been reported in the literature in individuals affected with VPS13A-related conditions. ClinVar contains an entry for this variant (Variation ID: 367431). Algorithms developed to predict the effect of missense changes on protein structure and function are either unavailable or do not agree on the potential impact of this missense change (SIFT: "Deleterious"; PolyPhen-2: "Probably Damaging"; Align-GVGD: "Class C0"). In summary, the available evidence is currently insufficient to determine the role of this variant in disease. Therefore, it has been classified as a Variant of Uncertain Significance.

CeGaT Center for Human Genetics Tuebingen
Classification: Uncertain significance. Last evaluated: 2018-07-01. Review status: criteria provided, single submitter. Criteria: CeGaT Center For Human Genetics Tuebingen Variant Classification Criteria Version 2. Collection method: clinical testing. Allele origin: germline. Affected: yes. Observed: 1 variant allele.

Illumina Laboratory Services, Illumina
Classification: Uncertain significance for VPS13A-related neurodegenerative disease. Last evaluated: 2018-01-12. Review status: criteria provided, single submitter. Criteria: ICSL Variant Classification Criteria 13 December 2019. Collection method: clinical testing. Allele origin: germline.

Natera, Inc.
Classification: Uncertain significance for Choreaacanthocytosis. Last evaluated: 2020-02-06. Review status: no assertion criteria provided. Collection method: clinical testing. Allele origin: germline. Not counted in ClinVar's aggregate classification.

NM_033305.3(VPS13A):c.9314T>A (p.Leu3105His)

Gene: VPS13A (vacuolar protein sorting 13 homolog A; plus strand). Cytogenetic location: 9q21.2.
Variant type: single nucleotide variant.
Coding change: c.9314T>A on transcript NM_033305.3 (MANE Select); coding-DNA position 9314, T replaced by A.
Protein change: p.Leu3105His; replaces leucine 3105 with histidine.
Molecular consequence: missense variant.
Genome position (GRCh38, 1-based): chr9:77,405,902, T>A. VCF-style: chr9-77405902-T-A. GRCh37 (hg19) VCF-style: chr9-80020818-T-A.
Other names: p.Leu3105His; c.9197T>A, p.Leu3066His (NM_001018037.2); short protein forms L3105H, L3066H.
Identifiers: ClinVar variation 367431 (VCV000367431.58), dbSNP rs141321409, ClinGen allele CA5094016.
Genomic context (GRCh38, chr9:77,405,902, plus strand): 5'-TTTTTTGTTTTTCTTTTTGCAGTGGTGTATTGTTTGTAACAAAGGGAACATTTGGACAAC[T>A]CACGTGTGAGTGGCAGTATAGTTTTGATGAATTTACCAAAGAGCCATTCATTGTTCATGG-3'
Protein context (NP_150648.2, residues 3095-3115): LFVTKGTFGQ[Leu3105His]TCEWQYSFDE